The following is an entry in ClinVar:

NM_000368.5(TSC1):c.2635dup (p.Met879fs)

Gene: TSC1 (TSC complex subunit 1; minus strand). Cytogenetic location: 9q34.13.
Variant type: Duplication.
Coding change: c.2635dup on transcript NM_000368.5 (MANE Select); coding-DNA position 2635, one base duplicated (A; older notation c.2635dupA).
Protein change: p.Met879fs; shifts the reading frame from methionine 879.
Molecular consequence: frameshift variant. On other transcripts: non-coding transcript variant (5).
Genome position (GRCh38, 1-based): chr9:132,897,601, T duplicated on the plus strand (A on the coding strand, the reverse complement: TSC1 is on the minus strand); the first of 3 consecutive T bases (chr9:132,897,601-132,897,603); duplicating any one gives the same sequence. VCF-style (leftmost placement, unchanged base first): chr9-132897600-A-AT. GRCh37 (hg19) VCF-style: chr9-135772987-A-AT.
Other names: c.2632dup, p.Met878fs (NM_001162426.2, NM_001406597.1, NM_001406598.1 and 2 more transcripts); c.2482dup, p.Met828fs (NM_001162427.2, NM_001406610.1); c.2272dup, p.Met758fs (NM_001362177.2, NM_001406614.1, NM_001406615.1 and 4 more transcripts); c.2635dup, p.Met879fs (NM_001406592.1, NM_001406593.1, NM_001406594.1 and 2 more transcripts); c.2620dup, p.Met874fs (NM_001406601.1, NM_001406602.1); c.2617dup, p.Met873fs (NM_001406603.1, NM_001406604.1); c.2593dup, p.Met865fs (NM_001406605.1, NM_001406606.1, NM_001406607.1); c.2590dup, p.Met864fs (NM_001406608.1, NM_001406609.1); and 8 more; short protein forms M528fs, M813fs, M827fs, M879fs, M562fs, M744fs, M828fs, M873fs.
Identifiers: ClinVar variation 2699220 (VCV002699220.3), dbSNP rs2131639772, ClinGen allele CA2697558112.

ClinVar aggregate classification (germline): Pathogenic (1 of 4 stars; one submission).

Conditions:
Tuberous sclerosis 1 (TSC1). Identifiers: Orphanet 805, MedGen C1854465, MONDO:0008612, OMIM 191100.

Submission:

Labcorp Genetics (formerly Invitae), Labcorp
Classification: Pathogenic for Tuberous sclerosis 1. Last evaluated: 2023-06-09. Review status: criteria provided, single submitter. Criteria: Invitae Variant Classification Sherloc (09022015). Collection method: clinical testing. Allele origin: germline.
Comment: For these reasons, this variant has been classified as Pathogenic. This variant has not been reported in the literature in individuals affected with TSC1-related conditions. This variant is not present in population databases (gnomAD no frequency). This sequence change creates a premature translational stop signal (p.Met879Asnfs*25) in the TSC1 gene. It is expected to result in an absent or disrupted protein product. Loss-of-function variants in TSC1 are known to be pathogenic (PMID: 10227394, 17304050).

Literature cited by the submitters: PubMed 10227394; PubMed 17304050.